The following is an entry in ClinVar:

ClinVar aggregate classification (germline): Uncertain significance (1 of 4 stars; one submission).

Conditions:
Cowden syndrome (CS). Also called: Cowden's disease; Cowden's syndrome; Cowden disease. Identifiers: Orphanet 201, MedGen C0018553, MONDO:0016063. Disease mechanism: gain of function.

Submission:

Labcorp Genetics (formerly Invitae), Labcorp
Classification: Uncertain significance for Cowden syndrome. Last evaluated: 2020-12-09. Review status: criteria provided, single submitter. Criteria: Invitae Variant Classification Sherloc (09022015). Collection method: clinical testing. Allele origin: germline.
Comment: This variant results in a copy number gain of the genomic region encompassing exon(s) 21 of the PIK3CA gene. The 5' boundary is likely confined to intron 20. The 3' end of this event is unknown as it extends beyond the assayed region for this gene and therefore may encompass additional genes. As the precise location of this event is unknown, it may be in tandem or it may be located elsewhere in the genome. This variant has not been reported in the literature in individuals with PIK3CA-related conditions. Experimental studies and prediction algorithms are not available or were not evaluated, and the functional significance of this variant is currently unknown. In summary, the available evidence is currently insufficient to determine the role of this variant in disease. Therefore, it has been classified as a Variant of Uncertain Significance.

NC_000003.11:g.(?_178951872)_(178952152_?)dup

Gene: PIK3CA (phosphatidylinositol-4,5-bisphosphate 3-kinase catalytic subunit alpha; plus strand). Cytogenetic location: 3q26.32.
Variant type: Duplication.
Identifiers: ClinVar variation 1450586 (VCV001450586.5).